The following is an entry in ClinVar:

NM_153646.4(SLC24A4):c.1188G>A (p.Pro396=)

Gene: SLC24A4 (solute carrier family 24 member 4; plus strand). Cytogenetic location: 14q32.12.
Variant type: single nucleotide variant.
Coding change: c.1188G>A on transcript NM_153646.4 (MANE Select); coding-DNA position 1188, G replaced by A.
Protein change: p.Pro396=; no amino-acid change (proline 396 retained).
Molecular consequence: synonymous variant.
Genome position (GRCh38, 1-based): chr14:92,456,541, G>A. VCF-style: chr14-92456541-G-A. GRCh37 (hg19) VCF-style: chr14-92922885-G-A.
Other names: c.1188G>A, p.Pro396= (NM_001378620.1); c.1131G>A, p.Pro377= (NM_001425254.1, NM_153647.4); c.996G>A, p.Pro332= (NM_153648.4).
Identifiers: ClinVar variation 3034236 (VCV003034236.2), dbSNP rs754076513, ClinGen allele CA7316045.

ClinVar aggregate classification (germline): Likely benign (0 of 4 stars; one submission).

Conditions:
SLC24A4-related disorder. Also called: SLC24A4-related condition.

Allele frequency attached by ClinVar (database versions not stated): TOPMed 0.00002; gnomAD 0.00003.
gnomAD v4.1: 34 of 1,613,774 alleles (0.0021%); highest among the groups gnomAD compares: Admixed American, 0.022%; no homozygotes.

Submission:

PreventionGenetics, part of Exact Sciences
Classification: Likely benign for SLC24A4-related condition. Last evaluated: 2019-06-12. Review status: no assertion criteria provided. Collection method: clinical testing. Allele origin: germline.
Comment: This variant is classified as likely benign based on ACMG/AMP sequence variant interpretation guidelines (Richards et al. 2015 PMID: 25741868, with internal and published modifications).